The following is an entry in ClinVar:

ClinVar aggregate classification (germline): Pathogenic. Review status: criteria provided, multiple submitters, no conflicts (2 of 4 stars). 2 submissions from 2 submitters: Pathogenic (2). Last evaluated 2025-07-13.

Conditions:
DICER1-related tumor predisposition. Also called: DICER1-related pleuropulmonary blastoma cancer predisposition syndrome; DICER1 syndrome. Identifiers: Orphanet 284343, MedGen C3839822, MONDO:0100216.

Submissions (2):

Labcorp Genetics (formerly Invitae), Labcorp
Classification: Pathogenic for DICER1-related tumor predisposition. Last evaluated: 2025-07-13. Review status: criteria provided, single submitter. Criteria: Invitae Variant Classification Sherloc (09022015). Collection method: clinical testing. Allele origin: germline.
Comment: This sequence change creates a premature translational stop signal (p.Trp400*) in the DICER1 gene. It is expected to result in an absent or disrupted protein product. Loss-of-function variants in DICER1 are known to be pathogenic (PMID: 19556464, 21266384). This variant is not present in population databases (gnomAD no frequency). This premature translational stop signal has been observed in individual(s) with cerebellar embryonal tumor (PMID: 30446821). ClinVar contains an entry for this variant (Variation ID: 933051). For these reasons, this variant has been classified as Pathogenic.

Foulkes Cancer Genetics LDI, Lady Davis Institute for Medical Research
Classification: Pathogenic for Pleuropulmonary blastoma. Last evaluated: 2019-07-01. Review status: criteria provided, single submitter. Criteria: ACMG Guidelines, 2015. Collection method: curation. Allele origin: germline, somatic. Affected: yes. Observed: 2 variant alleles.
Comment: ACMG criteria met: PVS1, PM2, PM7

Literature cited by the submitters: PubMed 19556464 (cited by Labcorp Genetics (formerly Invitae), Labcorp); PubMed 21266384 (cited by Labcorp Genetics (formerly Invitae), Labcorp); PubMed 30446821 (cited by Labcorp Genetics (formerly Invitae), Labcorp and Foulkes Cancer Genetics LDI, Lady Davis Institute for Medical Research); PubMed 26925222 (cited by Foulkes Cancer Genetics LDI, Lady Davis Institute for Medical Research).

NM_177438.3(DICER1):c.1200G>A (p.Trp400Ter)

Gene: DICER1 (dicer 1, ribonuclease III; minus strand). Cytogenetic location: 14q32.13.
Variant type: single nucleotide variant.
Coding change: c.1200G>A on transcript NM_177438.3 (MANE Select); coding-DNA position 1200, G replaced by A.
Protein change: p.Trp400Ter; replaces tryptophan 400 with a stop codon.
Molecular consequence: nonsense.
Genome position (GRCh38, 1-based): chr14:95,124,372, C>T on the plus strand (G>A on the coding strand, the complement: DICER1 is on the minus strand). VCF-style: chr14-95124372-C-T. GRCh37 (hg19) VCF-style: chr14-95590709-C-T.
Other names: c.1200G>A, p.Trp400Ter (NM_001195573.1, NM_001271282.3, NM_001291628.2 and 1 more transcripts); short protein forms W400*.
Identifiers: ClinVar variation 933051 (VCV000933051.9), dbSNP rs1893206922, ClinGen allele CA390886729.